The following is an entry in ClinVar:

NM_001035.3(RYR2):c.8961C>G (p.Ser2987Arg)

Gene: RYR2 (ryanodine receptor 2; plus strand). Cytogenetic location: 1q43.
Variant type: single nucleotide variant.
Coding change: c.8961C>G on transcript NM_001035.3 (MANE Select); coding-DNA position 8961, C replaced by G.
Protein change: p.Ser2987Arg; replaces serine 2987 with arginine.
Molecular consequence: missense variant.
Genome position (GRCh38, 1-based): chr1:237,680,521, C>G. VCF-style: chr1-237680521-C-G. GRCh37 (hg19) VCF-style: chr1-237843821-C-G.
Other names: short protein forms S2987R.
Identifiers: ClinVar variation 4614845 (VCV004614845.1).

ClinVar aggregate classification (germline): Uncertain significance (1 of 4 stars; one submission).

Conditions:
Cardiovascular phenotype. Identifiers: MedGen CN230736.

Submission:

Ambry Genetics
Classification: Uncertain significance for Cardiovascular phenotype. Last evaluated: 2025-09-17. Review status: criteria provided, single submitter. Criteria: Ambry Variant Classification Scheme 2023. Collection method: clinical testing. Allele origin: germline.
Comment: The p.S2987R variant (also known as c.8961C>G), located in coding exon 62 of the RYR2 gene, results from a C to G substitution at nucleotide position 8961. The serine at codon 2987 is replaced by arginine, an amino acid with dissimilar properties. This amino acid position is not well conserved in available vertebrate species. In addition, the in silico prediction for this alteration is inconclusive. Based on the available evidence, the clinical significance of this variant remains unclear.